The following is an entry in ClinVar:

ClinVar aggregate classification (germline): Conflicting classifications of pathogenicity. Review status: criteria provided, conflicting classifications (1 of 4 stars). 6 submissions from 6 submitters: Uncertain significance (1); Likely benign (4). 1 of the submissions does not count toward it. Last evaluated 2026-09-01.

Conditions:
TBX3-related disorder. Also called: TBX3-related condition.
Ulnar-mammary syndrome (UMS). Also called: Ulnar-mammary syndrome of Pallister; PALLISTER ULNAR-MAMMARY SYNDROME; SCHINZEL SYNDROME. Identifiers: Orphanet 3138, MedGen C1866994, MONDO:0008411, OMIM 181450.

Allele frequency attached by ClinVar (database versions not stated): gnomAD exomes 0.00013 and 0.00022; gnomAD 0.00014 and 0.00016; ESP Exome Variant Server 0.00015; TOPMed 0.00018; ExAC 0.00030.
gnomAD v4.1: 230 of 1,605,650 alleles (0.014%); highest among the groups gnomAD compares: Middle Eastern, 0.2%; 2 homozygotes.

Submissions (6):

CeGaT Center for Human Genetics Tuebingen
Classification: Likely benign. Last evaluated: 2026-09-01. Review status: criteria provided, single submitter. Criteria: CeGaT Center For Human Genetics Tuebingen Variant Classification Criteria Version 2. Collection method: clinical testing. Allele origin: germline. Affected: yes. Observed: 1 variant allele.
Comment: TBX3: PP3, BS2

Labcorp Genetics (formerly Invitae), Labcorp
Classification: Likely benign for Ulnar-mammary syndrome. Last evaluated: 2025-10-07. Review status: criteria provided, single submitter. Criteria: Invitae Variant Classification Sherloc (09022015). Collection method: clinical testing. Allele origin: germline.

GeneDx
Classification: Uncertain significance. Last evaluated: 2025-03-06. Review status: criteria provided, single submitter. Criteria: GeneDx Variant Classification Process June 2021. Collection method: clinical testing. Allele origin: germline. Affected: yes.
Comment: In silico analysis indicates that this missense variant does not alter protein structure/function; Has not been previously published as pathogenic or benign to our knowledge

Blueprint Genetics
Classification: Likely benign. Last evaluated: 2024-04-30. Review status: criteria provided, single submitter. Criteria: ACMG Guidelines, 2015. Collection method: clinical testing. Allele origin: germline.

Illumina Laboratory Services, Illumina
Classification: Likely benign for Ulnar-mammary syndrome. Last evaluated: 2018-01-12. Review status: criteria provided, single submitter. Criteria: ICSL Variant Classification Criteria 13 December 2019. Collection method: clinical testing. Allele origin: germline.
Comment: This variant was observed in the ICSL laboratory as part of a predisposition screen in an ostensibly healthy population. It had not been previously curated by ICSL or reported in the Human Gene Mutation Database (HGMD: prior to June 1st, 2018), and was therefore a candidate for classification through an automated scoring system. Utilizing variant allele frequency, disease prevalence and penetrance estimates, and inheritance mode, an automated score was calculated to assess if this variant is too frequent to cause the disease. Based on the score and internal cut-off values, a variant classified as likely benign is not then subjected to further curation. The score for this variant resulted in a classification of likely benign for this disease.

PreventionGenetics, part of Exact Sciences
Classification: Likely benign for TBX3-related condition. Last evaluated: 2021-10-09. Review status: no assertion criteria provided. Collection method: clinical testing. Allele origin: germline. Not counted in ClinVar's aggregate classification.
Comment: This variant is classified as likely benign based on ACMG/AMP sequence variant interpretation guidelines (Richards et al. 2015 PMID: 25741868, with internal and published modifications).

NM_005996.4(TBX3):c.1250A>G (p.His417Arg)

Gene: TBX3 (T-box transcription factor 3; minus strand). Cytogenetic location: 12q24.21.
Variant type: single nucleotide variant.
Coding change: c.1250A>G on transcript NM_005996.4 (MANE Select); coding-DNA position 1250, A replaced by G.
Protein change: p.His417Arg; replaces histidine 417 with arginine.
Molecular consequence: missense variant.
Genome position (GRCh38, 1-based): chr12:114,674,625, T>C on the plus strand (A>G on the coding strand, the complement: TBX3 is on the minus strand). VCF-style: chr12-114674625-T-C. GRCh37 (hg19) VCF-style: chr12-115112430-T-C.
Other names: c.1310A>G (NM_016569.3); c.1310A>G, p.His437Arg (NM_016569.4); short protein forms H417R, H437R.
Identifiers: ClinVar variation 307365 (VCV000307365.17), dbSNP rs375076522, ClinGen allele CA6809955.
Genomic context (GRCh38, chr12:114,674,625, plus strand): 5'-GGGCTCCTGCGCTCCTCCGCGCCCAGGCCGCGAGTGCTGGACGAGATGGTGGCGGGGCTA[T>C]GGCGTGAGTCGGGCGACGCTTTGTCCAGCCGCCCGCTGTCCCGGGGCCGCTCAGCAGCGA-3'
Protein context (NP_005987.3, residues 407-427): RLDKASPDSR[His417Arg]SPATISSSTR